The following is an entry in ClinVar:

NM_000350.3(ABCA4):c.2651_2653+2del

Gene: ABCA4 (ATP binding cassette subfamily A member 4; minus strand). Cytogenetic location: 1p22.1.
Variant type: Deletion.
Coding change: c.2651_2653+2del on transcript NM_000350.3 (MANE Select); coding-DNA position 2651 through the canonical splice donor site of the intron after coding-DNA position 2653, 5 bases deleted (AAGGT; older notation c.2651_2653+2delAAGGT).
Molecular consequence: splice donor variant.
Genome position (GRCh38, 1-based): chr1:94,051,631-94,051,635, ACCTT deleted on the plus strand (AAGGT on the coding strand, the reverse complement: ABCA4 is on the minus strand). VCF-style (leftmost placement, unchanged base first): chr1-94051630-CACCTT-C. GRCh37 (hg19) VCF-style: chr1-94517186-CACCTT-C.
Identifiers: ClinVar variation 2955147 (VCV002955147.3), dbSNP rs1660842061, ClinGen allele CA1181424481.
Genomic context (GRCh38, chr1:94,051,630, plus strand): 5'-CATCTTGCACAGAGCCCAAGGAGTTGATTTCAAACATTAAGATTTGTGTTTTAAAGGACT[CACCTT>C]CACCGCCAAGCCAATACGACTCTTGTAGAAGAAAGTACCAAGGAAGTGGGGTTCCATAGT-3'

ClinVar aggregate classification (germline): Likely pathogenic (1 of 4 stars; one submission).

Allele frequency attached by ClinVar (database versions not stated): TOPMed below 0.00001.

Submission:

Labcorp Genetics (formerly Invitae), Labcorp
Classification: Likely pathogenic. Last evaluated: 2022-12-20. Review status: criteria provided, single submitter. Criteria: Invitae Variant Classification Sherloc (09022015). Collection method: clinical testing. Allele origin: germline.
Comment: This variant results in the deletion of part of exon 17 (c.2651_2653+2del) of the ABCA4 gene. It is expected to disrupt RNA splicing. Variants that disrupt the donor or acceptor splice site typically lead to a loss of protein function (PMID: 16199547), and loss-of-function variants in ABCA4 are known to be pathogenic (PMID: 10958761, 24938718, 25312043, 26780318). This variant is not present in population databases (gnomAD no frequency). This variant has not been reported in the literature in individuals affected with ABCA4-related conditions. Algorithms developed to predict the effect of sequence changes on RNA splicing suggest that this variant may disrupt the consensus splice site. In summary, the currently available evidence indicates that the variant is pathogenic, but additional data are needed to prove that conclusively. Therefore, this variant has been classified as Likely Pathogenic.

Literature cited by the submitters: PubMed 16199547; PubMed 10958761; PubMed 24938718; PubMed 25312043; PubMed 26780318.